The following is an entry in ClinVar:

NM_007254.4(PNKP):c.1566A>G (p.Ter522Trp)

Gene: PNKP (polynucleotide kinase 3'-phosphatase; minus strand). Cytogenetic location: 19q13.33.
Variant type: single nucleotide variant.
Coding change: c.1566A>G on transcript NM_007254.4 (MANE Select); coding-DNA position 1566, A replaced by G.
Protein change: p.Ter522Trp.
Molecular consequence: stop lost.
Genome position (GRCh38, 1-based): chr19:49,861,248, T>C on the plus strand (A>G on the coding strand, the complement: PNKP is on the minus strand). VCF-style: chr19-49861248-T-C. GRCh37 (hg19) VCF-style: chr19-50364505-T-C.
Other names: c.1566A>G (NM_007254.2).
Identifiers: ClinVar variation 1061991 (VCV001061991.9), dbSNP rs2122315087, ClinGen allele CA406932340.

ClinVar aggregate classification (germline): Uncertain significance. Review status: criteria provided, multiple submitters, no conflicts (2 of 4 stars). 2 submissions from 2 submitters: Uncertain significance (2). Last evaluated 2025-08-06.

Conditions:
Developmental and epileptic encephalopathy, 12 (DEE12). Identifiers: MedGen C3150988, MONDO:0013389, OMIM 613722.

Submissions (2):

GeneDx
Classification: Uncertain significance. Last evaluated: 2025-08-06. Review status: criteria provided, single submitter. Criteria: GeneDx Variant Classification Process June 2021. Collection method: clinical testing. Allele origin: germline. Affected: yes.
Comment: Not observed at significant frequency in large population cohorts (gnomAD); Stop codon loss and change to a tryptophan codon, leading to protein extension and the addition of 9 amino acids at the C-terminus; Has not been previously published as pathogenic or benign to our knowledge

Labcorp Genetics (formerly Invitae), Labcorp
Classification: Uncertain significance for Developmental and epileptic encephalopathy, 12. Last evaluated: 2022-01-13. Review status: criteria provided, single submitter. Criteria: Invitae Variant Classification Sherloc (09022015). Collection method: clinical testing. Allele origin: germline.
Comment: ClinVar contains an entry for this variant (Variation ID: 1061991). This variant has not been reported in the literature in individuals affected with PNKP-related conditions. This variant is not present in population databases (gnomAD no frequency). This sequence change disrupts the translational stop signal of the PNKP mRNA. It is expected to extend the length of the PNKP protein by 9 additional amino acid residues. Experimental studies and prediction algorithms are not available or were not evaluated, and the functional significance of this variant is currently unknown. In summary, the available evidence is currently insufficient to determine the role of this variant in disease. Therefore, it has been classified as a Variant of Uncertain Significance.